The following is an entry in ClinVar:

ClinVar aggregate classification (germline): Likely benign (0 of 4 stars; one submission).

Conditions:
MDN1-related disorder. Also called: MDN1-related condition.

Allele frequency attached by ClinVar (database versions not stated): ESP Exome Variant Server 0.00161; gnomAD exomes 0.00206; 1000 Genomes Project 30x 0.00047; 1000 Genomes Project 0.00060; ExAC 0.00100; TOPMed 0.00101; gnomAD 0.00125.
gnomAD v4.1: 3,155 of 1,614,146 alleles (0.2%); highest among the groups gnomAD compares: Non-Finnish European, 0.24%; 7 homozygotes.

Submission:

PreventionGenetics, part of Exact Sciences
Classification: Likely benign for MDN1-related condition. Last evaluated: 2022-12-01. Review status: no assertion criteria provided. Collection method: clinical testing. Allele origin: germline.
Comment: This variant is classified as likely benign based on ACMG/AMP sequence variant interpretation guidelines (Richards et al. 2015 PMID: 25741868, with internal and published modifications).

NM_014611.3(MDN1):c.3206T>C (p.Ile1069Thr)

Gene: MDN1 (midasin AAA ATPase 1; minus strand). Cytogenetic location: 6q15.
Variant type: single nucleotide variant.
Coding change: c.3206T>C on transcript NM_014611.3 (MANE Select); coding-DNA position 3206, T replaced by C.
Protein change: p.Ile1069Thr; replaces isoleucine 1069 with threonine.
Molecular consequence: missense variant.
Genome position (GRCh38, 1-based): chr6:89,751,452, A>G on the plus strand (T>C on the coding strand, the complement: MDN1 is on the minus strand). VCF-style: chr6-89751452-A-G. GRCh37 (hg19) VCF-style: chr6-90461171-A-G.
Other names: short protein forms I1069T.
Identifiers: ClinVar variation 3037740 (VCV003037740.2), dbSNP rs145864488, ClinGen allele CA3925425.